The following is an entry in ClinVar:

NM_000051.4(ATM):c.2922-3C>T

Gene: ATM (ATM serine/threonine kinase; plus strand). Cytogenetic location: 11q22.3.
Variant type: single nucleotide variant.
Coding change: c.2922-3C>T on transcript NM_000051.4 (MANE Select); 3 bases into the intron before coding-DNA position 2922, C replaced by T.
Molecular consequence: intron variant.
Genome position (GRCh38, 1-based): chr11:108,271,248, C>T. VCF-style: chr11-108271248-C-T. GRCh37 (hg19) VCF-style: chr11-108141975-C-T.
Other names: c.2922-3C>T (NM_001351834.2).
Identifiers: ClinVar variation 643813 (VCV000643813.12), dbSNP rs750087017, ClinGen allele CA915948370.
Genomic context (GRCh38, chr11:108,271,248, plus strand): 5'-TAAAATAACTGATGTGTTCTGTTAAGCTTATAAAGTTGAACTTTTTTTTTTTTTTTACCA[C>T]AGCAATGTGTGTTCTTTGTATCGTCGTGACCAAGATGTTTGTAAAACTATTTTAAACCAT-3'

ClinVar aggregate classification (germline): Uncertain significance. Review status: criteria provided, multiple submitters, no conflicts (2 of 4 stars). 2 submissions from 2 submitters: Uncertain significance (2). Last evaluated 2025-11-03.

Conditions:
Ataxia-telangiectasia syndrome (AT). Also called: LOUIS-BAR SYNDROME; Ataxia-telangiectasia, complementation group E; Ataxia-telangiectasia, complementation group D; AT, COMPLEMENTATION GROUP C; Ataxia telangiectasia (A-T); Cerebello-oculocutaneous telangiectasia. Identifiers: Orphanet 100, MedGen C0004135, MONDO:0008840, OMIM 208900.
Hereditary cancer-predisposing syndrome. Also called: Neoplastic Syndromes, Hereditary; Hereditary Cancer Syndrome; Hereditary neoplastic syndrome; Tumor predisposition. Identifiers: Orphanet 140162, MedGen C0027672, MeSH D009386, MONDO:0015356.

Submissions (2):

Ambry Genetics
Classification: Uncertain significance for Hereditary cancer-predisposing syndrome. Last evaluated: 2025-11-03. Review status: criteria provided, single submitter. Criteria: Ambry Variant Classification Scheme 2023. Collection method: clinical testing. Allele origin: germline.
Comment: The c.2922-3C>T intronic variant results from a C to T substitution of 3 nucleotides upstream from coding exon 19 in the ATM gene. This nucleotide position is not well conserved in available vertebrate species. In silico splice site analysis predicts that this alteration will not have any significant effect on splicing; however, direct evidence is insufficient at this time (Ambry internal data). Based on the available evidence, the clinical significance of this variant remains unclear.

Labcorp Genetics (formerly Invitae), Labcorp
Classification: Uncertain significance for Ataxia-telangiectasia syndrome. Last evaluated: 2023-10-13. Review status: criteria provided, single submitter. Criteria: Invitae Variant Classification Sherloc (09022015). Collection method: clinical testing. Allele origin: germline.
Comment: This sequence change falls in intron 19 of the ATM gene. It does not directly change the encoded amino acid sequence of the ATM protein. It affects a nucleotide within the consensus splice site. This variant is not present in population databases (gnomAD no frequency). This variant has not been reported in the literature in individuals affected with ATM-related conditions. ClinVar contains an entry for this variant (Variation ID: 643813). Variants that disrupt the consensus splice site are a relatively common cause of aberrant splicing (PMID: 17576681, 9536098). Algorithms developed to predict the effect of sequence changes on RNA splicing suggest that this variant is not likely to affect RNA splicing. In summary, the available evidence is currently insufficient to determine the role of this variant in disease. Therefore, it has been classified as a Variant of Uncertain Significance.

Literature cited by the submitters: PubMed 17576681 (cited by Labcorp Genetics (formerly Invitae), Labcorp); PubMed 9536098 (cited by Labcorp Genetics (formerly Invitae), Labcorp).